The following is an entry in ClinVar:

ClinVar aggregate classification (germline): Uncertain significance. Review status: criteria provided, multiple submitters, no conflicts (2 of 4 stars). 2 submissions from 2 submitters: Uncertain significance (2). Last evaluated 2024-04-29.

Allele frequency attached by ClinVar (database versions not stated): gnomAD 0.00001 and 0.00005; TOPMed 0.00003; ExAC 0.00035; 1000 Genomes Project 0.00060; 1000 Genomes Project 30x 0.00078; gnomAD exomes 0.00014 and 0.00031.

Submissions (2):

Labcorp Genetics (formerly Invitae), Labcorp
Classification: Uncertain significance. Last evaluated: 2024-04-29. Review status: criteria provided, single submitter. Criteria: Invitae Variant Classification Sherloc (09022015). Collection method: clinical testing. Allele origin: germline.
Comment: This sequence change replaces glycine, which is neutral and non-polar, with serine, which is neutral and polar, at codon 383 of the SARS2 protein (p.Gly383Ser). This variant is present in population databases (rs535667844, gnomAD 0.2%). This variant has not been reported in the literature in individuals affected with SARS2-related conditions. ClinVar contains an entry for this variant (Variation ID: 808578). An algorithm developed to predict the effect of missense changes on protein structure and function (PolyPhen-2) suggests that this variant is likely to be disruptive. In summary, the available evidence is currently insufficient to determine the role of this variant in disease. Therefore, it has been classified as a Variant of Uncertain Significance.

CeGaT Center for Human Genetics Tuebingen
Classification: Uncertain significance. Last evaluated: 2016-04-01. Review status: criteria provided, single submitter. Criteria: CeGaT Center For Human Genetics Tuebingen Variant Classification Criteria Version 2. Collection method: clinical testing. Allele origin: germline. Affected: yes. Observed: 1 variant allele.

NM_017827.4(SARS2):c.1147G>A (p.Gly383Ser)

Gene: SARS2 (seryl-tRNA synthetase 2, mitochondrial; minus strand). Cytogenetic location: 19q13.2.
Variant type: single nucleotide variant.
Coding change: c.1147G>A on transcript NM_017827.4 (MANE Select); coding-DNA position 1147, G replaced by A.
Protein change: p.Gly383Ser; replaces glycine 383 with serine.
Molecular consequence: missense variant.
Genome position (GRCh38, 1-based): chr19:38,917,737, C>T on the plus strand (G>A on the coding strand, the complement: SARS2 is on the minus strand). VCF-style: chr19-38917737-C-T. GRCh37 (hg19) VCF-style: chr19-39408377-C-T.
Other names: c.1153G>A, p.Gly385Ser (NM_001145901.2); short protein forms G383S, G385S.
Identifiers: ClinVar variation 808578 (VCV000808578.47), dbSNP rs535667844, ClinGen allele CA9422871.